The following is an entry in ClinVar:

ClinVar aggregate classification (germline): Uncertain significance (1 of 4 stars; one submission).

Conditions:
Immunodeficiency, common variable, 10. Also called: IMMUNODEFICIENCY, COMMON VARIABLE, WITH CENTRAL ADRENAL INSUFFICIENCY; DEFICIT IN ANTERIOR PITUITARY FUNCTION AND VARIABLE IMMUNODEFICIENCY. Identifiers: MedGen C3809991, MONDO:0014260, OMIM 615577.

gnomAD v4.1: 10 of 1,614,186 alleles (0.00062%); highest among the groups gnomAD compares: Middle Eastern, 0.016%; no homozygotes.

Submission:

Labcorp Genetics (formerly Invitae), Labcorp
Classification: Uncertain significance for Immunodeficiency, common variable, 10. Last evaluated: 2026-01-08. Review status: criteria provided, single submitter. Criteria: Invitae Variant Classification Sherloc (09022015). Collection method: clinical testing. Allele origin: germline.
Comment: This sequence change replaces valine, which is neutral and non-polar, with methionine, which is neutral and non-polar, at codon 317 of the NFKB2 protein (p.Val317Met). This variant is not present in population databases (gnomAD no frequency). This variant has not been reported in the literature in individuals affected with NFKB2-related conditions. An algorithm developed to predict the effect of missense changes on protein structure and function (PolyPhen-2) suggests that this variant is likely to be tolerated. In summary, the available evidence is currently insufficient to determine the role of this variant in disease. Therefore, it has been classified as a Variant of Uncertain Significance.

NM_001322934.2(NFKB2):c.949G>A (p.Val317Met)

Gene: NFKB2 (nuclear factor kappa B subunit 2; plus strand). Cytogenetic location: 10q24.32.
Variant type: single nucleotide variant.
Coding change: c.949G>A on transcript NM_001322934.2 (MANE Select); coding-DNA position 949, G replaced by A.
Protein change: p.Val317Met; replaces valine 317 with methionine.
Molecular consequence: missense variant.
Genome position (GRCh38, 1-based): chr10:102,398,481, G>A. VCF-style: chr10-102398481-G-A. GRCh37 (hg19) VCF-style: chr10-104158238-G-A.
Other names: c.949G>A, p.Val317Met (NM_001077494.3, NM_001261403.3, NM_001288724.1 and 2 more transcripts); short protein forms V317M.
Identifiers: ClinVar variation 4777020 (VCV004777020.1).